The following is an entry in ClinVar:

ClinVar aggregate classification (germline): Uncertain significance. Review status: criteria provided, multiple submitters, no conflicts (2 of 4 stars). 2 submissions from 2 submitters: Uncertain significance (2). Last evaluated 2025-05-18.

Conditions:
Distal hereditary motor neuropathy type 2. Identifiers: Orphanet 139525, MedGen C3711384, MeSH C580044, MONDO:0015352.

Allele frequency attached by ClinVar (database versions not stated): ExAC 0.00002; gnomAD 0.00004 and 0.00005; gnomAD exomes 0.00004 and 0.00005; TOPMed 0.00004; ESP Exome Variant Server 0.00008.
gnomAD v4.1: 77 of 1,613,906 alleles (0.0048%); highest among the groups gnomAD compares: South Asian, 0.012%; 1 homozygote.

Submissions (3):

Labcorp Genetics (formerly Invitae), Labcorp
Classification: Uncertain significance for Distal hereditary motor neuropathy type 2. Last evaluated: 2025-05-18. Review status: criteria provided, single submitter. Criteria: Invitae Variant Classification Sherloc (09022015). Collection method: clinical testing. Allele origin: germline.
Comment: This sequence change replaces asparagine, which is neutral and polar, with serine, which is neutral and polar, at codon 1104 of the FBXO38 protein (p.Asn1104Ser). This variant is present in population databases (rs373082610, gnomAD 0.006%). This variant has not been reported in the literature in individuals affected with FBXO38-related conditions. ClinVar contains an entry for this variant (Variation ID: 581498). An algorithm developed to predict the effect of missense changes on protein structure and function (PolyPhen-2) suggests that this variant is likely to be disruptive. In summary, the available evidence is currently insufficient to determine the role of this variant in disease. Therefore, it has been classified as a Variant of Uncertain Significance.

Ambry Genetics
Classification: Uncertain significance. Last evaluated: 2022-12-30. Review status: criteria provided, single submitter. Criteria: Ambry Variant Classification Scheme 2023. Collection method: clinical testing. Allele origin: germline.

Dr. Peter K. Rogan Lab, Western University
No classification provided (evidence only). Condition: Melanoma. Review status: no classification provided. Collection method: in vitro. Allele origin: not applicable. Functional consequence: retained intron. Not counted in ClinVar's aggregate classification.

NM_205836.3(FBXO38):c.3536A>G (p.Asn1179Ser)

Gene: FBXO38 (F-box protein 38; plus strand). Cytogenetic location: 5q32.
Variant type: single nucleotide variant.
Coding change: c.3536A>G on transcript NM_205836.3 (MANE Select); coding-DNA position 3536, A replaced by G.
Protein change: p.Asn1179Ser; replaces asparagine 1179 with serine.
Molecular consequence: missense variant.
Genome position (GRCh38, 1-based): chr5:148,442,116, A>G. VCF-style: chr5-148442116-A-G. GRCh37 (hg19) VCF-style: chr5-147821679-A-G.
Other names: c.2801A>G, p.Asn934Ser (NM_001271723.2); c.3311A>G, p.Asn1104Ser (NM_030793.5); short protein forms N1104S, N934S, N1179S.
Identifiers: ClinVar variation 581498 (VCV000581498.14), dbSNP rs373082610, ClinGen allele CA3497762.